The following is an entry in ClinVar:

NM_002354.3(EPCAM):c.306C>G (p.Ser102Arg)

Gene: EPCAM (epithelial cell adhesion molecule; plus strand). Cytogenetic location: 2p21.
Variant type: single nucleotide variant.
Coding change: c.306C>G on transcript NM_002354.3 (MANE Select); coding-DNA position 306, C replaced by G.
Protein change: p.Ser102Arg; replaces serine 102 with arginine.
Molecular consequence: missense variant.
Genome position (GRCh38, 1-based): chr2:47,373,929, C>G. VCF-style: chr2-47373929-C-G. GRCh37 (hg19) VCF-style: chr2-47601068-C-G.
Other names: short protein forms S102R.
Identifiers: ClinVar variation 3222102 (VCV003222102.1), dbSNP rs1305248670, ClinGen allele CA346723149.

ClinVar aggregate classification (germline): Uncertain significance (1 of 4 stars; one submission).

Conditions:
Hereditary cancer-predisposing syndrome. Also called: Tumor predisposition; Hereditary neoplastic syndrome; Hereditary Cancer Syndrome; Neoplastic Syndromes, Hereditary. Identifiers: Orphanet 140162, MedGen C0027672, MeSH D009386, MONDO:0015356.

Submission:

Ambry Genetics
Classification: Uncertain significance for Hereditary cancer-predisposing syndrome. Last evaluated: 2024-02-25. Review status: criteria provided, single submitter. Criteria: Ambry Variant Classification Scheme 2023. Collection method: clinical testing. Allele origin: germline.
Comment: The p.S102R variant (also known as c.306C>G), located in coding exon 3 of the EPCAM gene, results from a C to G substitution at nucleotide position 306. The serine at codon 102 is replaced by arginine, an amino acid with dissimilar properties. This amino acid position is conserved. In addition, this alteration is predicted to be tolerated by in silico analysis. Based on the available evidence, the clinical significance of this alteration remains unclear.